The following is an entry in ClinVar:

ClinVar aggregate classification (germline): Uncertain significance. Review status: criteria provided, multiple submitters, no conflicts (2 of 4 stars). 3 submissions from 3 submitters: Uncertain significance (2). 1 of the submissions does not count toward it. Last evaluated 2025-04-13.

Conditions:
Fanconi anemia (FA). Also called: Fanconi's anemia. Identifiers: Orphanet 84, MedGen C0015625, MeSH D005199, MONDO:0019391.
Inborn genetic diseases. Identifiers: MedGen C0950123, MeSH D030342.

Submissions (3):

Ambry Genetics
Classification: Uncertain significance for Inborn genetic diseases. Last evaluated: 2025-04-13. Review status: criteria provided, single submitter. Criteria: Ambry Variant Classification Scheme 2023. Collection method: clinical testing. Allele origin: germline.
Comment: The p.L1354P variant (also known as c.4061T>C), located in coding exon 41 of the FANCA gene, results from a T to C substitution at nucleotide position 4061. The leucine at codon 1354 is replaced by proline, an amino acid with similar properties. This amino acid position is conserved. In addition, this alteration is predicted to be deleterious by in silico analysis. Based on the available evidence, the clinical significance of this variant remains unclear.

Labcorp Genetics (formerly Invitae), Labcorp
Classification: Uncertain significance for Fanconi anemia. Last evaluated: 2022-06-22. Review status: criteria provided, single submitter. Criteria: Invitae Variant Classification Sherloc (09022015). Collection method: clinical testing. Allele origin: germline.
Comment: This sequence change replaces leucine, which is neutral and non-polar, with proline, which is neutral and non-polar, at codon 1354 of the FANCA protein (p.Leu1354Pro). This variant is not present in population databases (gnomAD no frequency). This variant has not been reported in the literature in individuals affected with FANCA-related conditions. Advanced modeling of protein sequence and biophysical properties (such as structural, functional, and spatial information, amino acid conservation, physicochemical variation, residue mobility, and thermodynamic stability) performed at Invitae indicates that this missense variant is expected to disrupt FANCA protein function. In summary, the available evidence is currently insufficient to determine the role of this variant in disease. Therefore, it has been classified as a Variant of Uncertain Significance.

Natera, Inc.
Classification: Uncertain significance for Fanconi anemia. Last evaluated: 2025-01-28. Review status: no assertion criteria provided. Collection method: clinical testing. Allele origin: germline. Not counted in ClinVar's aggregate classification.

NM_000135.4(FANCA):c.4061T>C (p.Leu1354Pro)

Genes: FANCA (FA complementation group A; minus strand), ZNF276 (zinc finger protein 276; plus strand). Cytogenetic location: 16q24.3.
Variant type: single nucleotide variant.
Coding change: c.4061T>C on transcript NM_000135.4 (MANE Select); coding-DNA position 4061, T replaced by C.
Protein change: p.Leu1354Pro; replaces leucine 1354 with proline.
Molecular consequence: missense variant. On other transcripts: 3 prime UTR variant (2), non-coding transcript variant (4).
Genome position (GRCh38, 1-based): chr16:89,739,239, A>G on the plus strand (T>C on the coding strand, the complement: FANCA is on the minus strand). VCF-style: chr16-89739239-A-G. GRCh37 (hg19) VCF-style: chr16-89805647-A-G.
Other names: c.4061T>C, p.Leu1354Pro (NM_001286167.3); c.*993A>G (NM_001113525.2, NM_152287.4); c.4061T>C (NM_000135.3); short protein forms L1354P.
Identifiers: ClinVar variation 2009472 (VCV002009472.6), dbSNP rs999835890, ClinGen allele CA286614681.